The following is an entry in ClinVar:

ClinVar aggregate classification (germline): Uncertain significance (1 of 4 stars; one submission).

Conditions:
Neurofibromatosis, type 1 (NF1). Also called: VON RECKLINGHAUSEN DISEASE; Peripheral type neurofibromatosis; Neurofibromatosis, type I; NEUROFIBROMATOSIS, TYPE I, SOMATIC. Identifiers: Orphanet 636, MedGen C0027831, MONDO:0018975, OMIM 162200. Disease mechanism: loss of function.

Allele frequency attached by ClinVar (database versions not stated): gnomAD exomes below 0.00001.
gnomAD v4.1: 1 of 1,614,012 alleles (0.000062%); highest among the groups gnomAD compares: Non-Finnish European, 0.000085%; no homozygotes.

Submission:

Labcorp Genetics (formerly Invitae), Labcorp
Classification: Uncertain significance for Neurofibromatosis, type 1. Last evaluated: 2024-03-14. Review status: criteria provided, single submitter. Criteria: Invitae Variant Classification Sherloc (09022015). Collection method: clinical testing. Allele origin: germline.
Comment: This sequence change replaces tyrosine, which is neutral and polar, with histidine, which is basic and polar, at codon 1369 of the NF1 protein (p.Tyr1369His). This variant is not present in population databases (gnomAD no frequency). This variant has not been reported in the literature in individuals affected with NF1-related conditions. Advanced modeling of protein sequence and biophysical properties (such as structural, functional, and spatial information, amino acid conservation, physicochemical variation, residue mobility, and thermodynamic stability) performed at Invitae indicates that this missense variant is expected to disrupt NF1 protein function with a positive predictive value of 80%. In summary, the available evidence is currently insufficient to determine the role of this variant in disease. Therefore, it has been classified as a Variant of Uncertain Significance.

NM_001042492.3(NF1):c.4105T>C (p.Tyr1369His)

Gene: NF1 (neurofibromin 1; plus strand). Cytogenetic location: 17q11.2.
Variant type: single nucleotide variant.
Coding change: c.4105T>C on transcript NM_001042492.3 (MANE Select); coding-DNA position 4105, T replaced by C.
Protein change: p.Tyr1369His; replaces tyrosine 1369 with histidine.
Molecular consequence: missense variant.
Genome position (GRCh38, 1-based): chr17:31,249,114, T>C. VCF-style: chr17-31249114-T-C. GRCh37 (hg19) VCF-style: chr17-29576132-T-C.
Other names: c.4105T>C, p.Tyr1369His (NM_000267.4); short protein forms Y1369H.
Identifiers: ClinVar variation 2824855 (VCV002824855.3), dbSNP rs2508352960, ClinGen allele CA398995096.